The following is an entry in ClinVar:

NM_199355.4(ADAMTS18):c.43G>T (p.Gly15Cys)

Gene: ADAMTS18 (ADAM metallopeptidase with thrombospondin type 1 motif 18; minus strand). Cytogenetic location: 16q23.1.
Variant type: single nucleotide variant.
Coding change: c.43G>T on transcript NM_199355.4 (MANE Select); coding-DNA position 43, G replaced by T.
Protein change: p.Gly15Cys; replaces glycine 15 with cysteine.
Molecular consequence: missense variant. On other transcripts: 5 prime UTR variant (1).
Genome position (GRCh38, 1-based): chr16:77,434,653, C>A on the plus strand (G>T on the coding strand, the complement: ADAMTS18 is on the minus strand). VCF-style: chr16-77434653-C-A. GRCh37 (hg19) VCF-style: chr16-77468550-C-A.
Other names: c.-478G>T (NM_001326358.2); short protein forms G15C.
Identifiers: ClinVar variation 1377543 (VCV001377543.6), dbSNP rs1325664703, ClinGen allele CA396851945.

ClinVar aggregate classification (germline): Uncertain significance (1 of 4 stars; one submission).

Submission:

Labcorp Genetics (formerly Invitae), Labcorp
Classification: Uncertain significance. Last evaluated: 2021-08-25. Review status: criteria provided, single submitter. Criteria: Invitae Variant Classification Sherloc (09022015). Collection method: clinical testing. Allele origin: germline.
Comment: In summary, the available evidence is currently insufficient to determine the role of this variant in disease. Therefore, it has been classified as a Variant of Uncertain Significance. Algorithms developed to predict the effect of missense changes on protein structure and function are either unavailable or do not agree on the potential impact of this missense change (SIFT: "Not Available"; PolyPhen-2: "Benign"; Align-GVGD: "Not Available"). This variant has not been reported in the literature in individuals affected with ADAMTS18-related conditions. The frequency data for this variant in the population databases is considered unreliable, as metrics indicate insufficient coverage at this position in the ExAC database. This sequence change replaces glycine with cysteine at codon 15 of the ADAMTS18 protein (p.Gly15Cys). The glycine residue is weakly conserved and there is a large physicochemical difference between glycine and cysteine.